The following is an entry in ClinVar:

NM_005045.4(RELN):c.9840G>T (p.Glu3280Asp)

Genes: SLC26A5-AS1 (SLC26A5 antisense RNA 1; plus strand), RELN (reelin; minus strand). Cytogenetic location: 7q22.1.
Variant type: single nucleotide variant.
Coding change: c.9840G>T on transcript NM_005045.4 (MANE Select); coding-DNA position 9840, G replaced by T.
Protein change: p.Glu3280Asp; replaces glutamic acid 3280 with aspartic acid.
Molecular consequence: missense variant.
Genome position (GRCh38, 1-based): chr7:103,486,340, C>A on the plus strand (G>T on the coding strand, the complement: RELN is on the minus strand). VCF-style: chr7-103486340-C-A. GRCh37 (hg19) VCF-style: chr7-103126787-C-A.
Other names: c.9840G>T, p.Glu3280Asp (NM_173054.3); short protein forms E3280D.
Identifiers: ClinVar variation 2922382 (VCV002922382.3), dbSNP rs2485699299, ClinGen allele CA368741860.

ClinVar aggregate classification (germline): Uncertain significance (1 of 4 stars; one submission).

Conditions:
Norman-Roberts syndrome (LIS2). Also called: Lissencephaly 2 (Norman-Roberts type). Identifiers: Orphanet 89844, MedGen C0796089, MONDO:0009760, OMIM 257320.
Familial temporal lobe epilepsy 7. Identifiers: Orphanet 101046, MedGen C4225327, MONDO:0014639, OMIM 616436.

Submission:

Labcorp Genetics (formerly Invitae), Labcorp
Classification: Uncertain significance for Familial temporal lobe epilepsy 7; Norman-Roberts syndrome. Last evaluated: 2024-01-22. Review status: criteria provided, single submitter. Criteria: Invitae Variant Classification Sherloc (09022015). Collection method: clinical testing. Allele origin: germline.
Comment: This sequence change replaces glutamic acid, which is acidic and polar, with aspartic acid, which is acidic and polar, at codon 3280 of the RELN protein (p.Glu3280Asp). This variant is not present in population databases (gnomAD no frequency). This variant has not been reported in the literature in individuals affected with RELN-related conditions. Advanced modeling of protein sequence and biophysical properties (such as structural, functional, and spatial information, amino acid conservation, physicochemical variation, residue mobility, and thermodynamic stability) performed at Invitae indicates that this missense variant is not expected to disrupt RELN protein function with a negative predictive value of 80%. In summary, the available evidence is currently insufficient to determine the role of this variant in disease. Therefore, it has been classified as a Variant of Uncertain Significance.